The following is an entry in ClinVar:

ClinVar aggregate classification (germline): Uncertain significance. Review status: criteria provided, multiple submitters, no conflicts (2 of 4 stars). 2 submissions from 2 submitters: Uncertain significance (2). Last evaluated 2025-11-26.

Conditions:
Primary ciliary dyskinesia. Also called: Ciliary dyskinesia. Identifiers: Orphanet 244, MedGen C0008780, MONDO:0016575, HP:0012265.

Allele frequency attached by ClinVar (database versions not stated): gnomAD exomes below 0.00001; ExAC 0.00002; gnomAD 0.00003; TOPMed 0.00005; ESP Exome Variant Server 0.00008.
gnomAD v4.1: 7 of 1,613,812 alleles (0.00043%); highest among the groups gnomAD compares: African/African-American, 0.0093%; no homozygotes.

Submissions (2):

Ambry Genetics
Classification: Uncertain significance for Primary ciliary dyskinesia. Last evaluated: 2025-11-26. Review status: criteria provided, single submitter. Criteria: Ambry Variant Classification Scheme 2023. Collection method: clinical testing. Allele origin: germline.

Labcorp Genetics (formerly Invitae), Labcorp
Classification: Uncertain significance for Primary ciliary dyskinesia. Last evaluated: 2022-07-19. Review status: criteria provided, single submitter. Criteria: Invitae Variant Classification Sherloc (09022015). Collection method: clinical testing. Allele origin: germline.
Comment: This sequence change replaces alanine, which is neutral and non-polar, with glycine, which is neutral and non-polar, at codon 536 of the CCDC40 protein (p.Ala536Gly). This variant is present in population databases (rs375662034, gnomAD 0.01%). This variant has not been reported in the literature in individuals affected with CCDC40-related conditions. Algorithms developed to predict the effect of missense changes on protein structure and function output the following: SIFT: "Tolerated"; PolyPhen-2: "Benign"; Align-GVGD: "Class C0". The glycine amino acid residue is found in multiple mammalian species, which suggests that this missense change does not adversely affect protein function. In summary, the available evidence is currently insufficient to determine the role of this variant in disease. Therefore, it has been classified as a Variant of Uncertain Significance.

NM_017950.4(CCDC40):c.1607C>G (p.Ala536Gly)

Gene: CCDC40 (coiled-coil domain 40 molecular ruler complex subunit; plus strand). Cytogenetic location: 17q25.3.
Variant type: single nucleotide variant.
Coding change: c.1607C>G on transcript NM_017950.4 (MANE Select); coding-DNA position 1607, C replaced by G.
Protein change: p.Ala536Gly; replaces alanine 536 with glycine.
Molecular consequence: missense variant.
Genome position (GRCh38, 1-based): chr17:80,081,590, C>G. VCF-style: chr17-80081590-C-G. GRCh37 (hg19) VCF-style: chr17-78055389-C-G.
Other names: c.1607C>G, p.Ala536Gly (NM_001243342.2); c.1607C>G (NM_017950.3); short protein forms A536G.
Identifiers: ClinVar variation 1900084 (VCV001900084.2), dbSNP rs375662034, ClinGen allele CA8813985.